The following is an entry in ClinVar:

NM_022455.5(NSD1):c.173A>G (p.Gln58Arg)

Gene: NSD1 (nuclear receptor binding SET domain protein 1; plus strand). Cytogenetic location: 5q35.3.
Variant type: single nucleotide variant.
Coding change: c.173A>G on transcript NM_022455.5 (MANE Select); coding-DNA position 173, A replaced by G.
Protein change: p.Gln58Arg; replaces glutamine 58 with arginine.
Molecular consequence: missense variant. On other transcripts: intron variant (7).
Genome position (GRCh38, 1-based): chr5:177,135,276, A>G. VCF-style: chr5-177135276-A-G. GRCh37 (hg19) VCF-style: chr5-176562277-A-G.
Other names: c.173A>G, p.Gln58Arg (NM_001409301.1, NM_001409302.1, NM_001409303.1 and 1 more transcripts); c.-37+76A>G (NM_001409305.1, NM_001409306.1, NM_001409308.1 and 4 more transcripts); short protein forms Q58R.
Identifiers: ClinVar variation 2662504 (VCV002662504.1), dbSNP rs2480086482, ClinGen allele CA362291301.

ClinVar aggregate classification (germline): Uncertain significance (1 of 4 stars; one submission).

Submission:

GeneDx
Classification: Uncertain significance. Last evaluated: 2023-04-06. Review status: criteria provided, single submitter. Criteria: GeneDx Variant Classification Process June 2021. Collection method: clinical testing. Allele origin: germline. Affected: yes.
Comment: Not observed at significant frequency in large population cohorts (gnomAD); In silico analysis supports that this missense variant does not alter protein structure/function; Has not been previously published as pathogenic or benign to our knowledge